The following is an entry in ClinVar:

NM_012330.4(KAT6B):c.5425C>T (p.Pro1809Ser)

Gene: KAT6B (lysine acetyltransferase 6B; plus strand). Cytogenetic location: 10q22.2.
Variant type: single nucleotide variant.
Coding change: c.5425C>T on transcript NM_012330.4 (MANE Select); coding-DNA position 5425, C replaced by T.
Protein change: p.Pro1809Ser; replaces proline 1809 with serine.
Molecular consequence: missense variant.
Genome position (GRCh38, 1-based): chr10:75,030,249, C>T. VCF-style: chr10-75030249-C-T. GRCh37 (hg19) VCF-style: chr10-76790007-C-T.
Other names: c.4876C>T, p.Pro1626Ser (NM_001256468.2, NM_001370138.1); c.4549C>T, p.Pro1517Ser (NM_001256469.2, NM_001370139.1, NM_001370140.1 and 2 more transcripts); c.4387C>T, p.Pro1463Ser (NM_001370132.1); c.3736C>T, p.Pro1246Ser (NM_001370133.1); c.3340C>T, p.Pro1114Ser (NM_001370134.1); c.3082C>T, p.Pro1028Ser (NM_001370135.1); c.5425C>T, p.Pro1809Ser (NM_001370136.1, NM_001370137.1); c.4360C>T, p.Pro1454Ser (NM_001370143.1, NM_001370144.1); short protein forms P1809S, P1454S, P1114S, P1246S, P1517S, P1028S, P1463S, P1626S.
Identifiers: ClinVar variation 452782 (VCV000452782.2), dbSNP rs1554846383, ClinGen allele CA377301163.

ClinVar aggregate classification (germline): Uncertain significance (1 of 4 stars; one submission).

Allele frequency attached by ClinVar (database versions not stated): gnomAD exomes below 0.00001.
gnomAD v4.1: 6 of 1,614,228 alleles (0.00037%); highest among the groups gnomAD compares: Non-Finnish European, 0.00051%; no homozygotes.

Submission:

GeneDx
Classification: Uncertain significance. Last evaluated: 2017-10-11. Review status: criteria provided, single submitter. Criteria: GeneDx Variant Classification (06012015). Collection method: clinical testing. Allele origin: germline. Affected: yes.
Comment: The P1809S variant has not been published as a pathogenic variant, nor has it been reported as a benign variant to our knowledge. The variant is not observed at a significant frequency in the ExAC dataset (Lek et al., 2016). The variant is a non-conservative amino acid substitution, which is likely to impact secondary protein structure as these residues differ in polarity, charge, size and/or other properties. This substitution occurs at a position that is conserved in mammals. However, in silico analysis is inconsistent in its predictions as to whether or not the variant is damaging to the protein structure/function. In summary, based on the currently available information, it is unclear whether this variant is a pathogenic variant or a rare benign variant.